The following is an entry in ClinVar:

ClinVar aggregate classification (germline): Uncertain significance (1 of 4 stars; one submission).

Conditions:
Catecholaminergic polymorphic ventricular tachycardia (CVPT). Also called: Catecholamine-induced polymorphic ventricular tachycardia. Identifiers: Orphanet 3286, MedGen C5574922, MONDO:0017990.

Submission:

All of Us Research Program, National Institutes of Health
Classification: Uncertain significance for Catecholaminergic polymorphic ventricular tachycardia. Last evaluated: 2023-05-16. Review status: criteria provided, single submitter. Criteria: ACMG Guidelines, 2015. Collection method: clinical testing. Allele origin: germline. Inheritance: Autosomal dominant inheritance. Observed: 1 variant allele, 1 heterozygote.
Comment: This missense variant replaces serine with arginine at codon 4141 of the RYR2 protein. Computational prediction is inconclusive regarding the impact of this variant on protein structure and function (internally defined REVEL score threshold 0.5 < inconclusive < 0.7, PMID: 27666373). To our knowledge, functional studies have not been reported for this variant. This variant has not been reported in individuals affected with RYR2-related disorders in the literature. This variant has not been identified in the general population by the Genome Aggregation Database (gnomAD). The available evidence is insufficient to determine the role of this variant in disease conclusively. Therefore, this variant is classified as a Variant of Uncertain Significance.

This study involves interpretation of variants in research participants for the purpose of population health screening. Participant phenotype was not available at the time of variant classification. Additional details can be found in publication PMID: 35346344, PMCID: PMC8962531

NM_001035.3(RYR2):c.12423C>G (p.Ser4141Arg)

Genes: RYR2 (ryanodine receptor 2; plus strand), LOC126806068 (BRD4-independent group 4 enhancer GRCh37_chr1:237947411-237948610; plus strand). Cytogenetic location: 1q43.
Variant type: single nucleotide variant.
Coding change: c.12423C>G on transcript NM_001035.3 (MANE Select); coding-DNA position 12423, C replaced by G.
Protein change: p.Ser4141Arg; replaces serine 4141 with arginine.
Molecular consequence: missense variant.
Genome position (GRCh38, 1-based): chr1:237,784,135, C>G. VCF-style: chr1-237784135-C-G. GRCh37 (hg19) VCF-style: chr1-237947435-C-G.
Other names: short protein forms S4141R.
Identifiers: ClinVar variation 3071087 (VCV003071087.1), dbSNP rs998612441, ClinGen allele CA345413210.